The following is an entry in ClinVar:

ClinVar aggregate classification (germline): Uncertain significance (1 of 4 stars; one submission).

Conditions:
Inborn genetic diseases. Identifiers: MedGen C0950123, MeSH D030342.

Submission:

Ambry Genetics
Classification: Uncertain significance for Inborn genetic diseases. Last evaluated: 2022-01-11. Review status: criteria provided, single submitter. Criteria: Ambry Variant Classification Scheme 2023. Collection method: clinical testing. Allele origin: germline.
Comment: The p.K474R variant (also known as c.1421A>G), located in coding exon 12 of the YARS gene, results from an A to G substitution at nucleotide position 1421. The lysine at codon 474 is replaced by arginine, an amino acid with highly similar properties. This amino acid position is not well conserved in available vertebrate species. In addition, this alteration is predicted to be tolerated by in silico analysis. Since supporting evidence is limited at this time, the clinical significance of this alteration remains unclear.

NM_003680.4(YARS1):c.1421A>G (p.Lys474Arg)

Gene: YARS1 (tyrosyl-tRNA synthetase 1; minus strand). Cytogenetic location: 1p35.1.
Variant type: single nucleotide variant.
Coding change: c.1421A>G on transcript NM_003680.4 (MANE Select); coding-DNA position 1421, A replaced by G.
Protein change: p.Lys474Arg; replaces lysine 474 with arginine.
Molecular consequence: missense variant.
Genome position (GRCh38, 1-based): chr1:32,779,437, T>C on the plus strand (A>G on the coding strand, the complement: YARS1 is on the minus strand). VCF-style: chr1-32779437-T-C. GRCh37 (hg19) VCF-style: chr1-33245038-T-C.
Other names: short protein forms K474R.
Identifiers: ClinVar variation 1799763 (VCV001799763.2), dbSNP rs2523349249, ClinGen allele CA339680409.